The following is an entry in ClinVar:

ClinVar aggregate classification (germline): Pathogenic (1 of 4 stars; one submission).

Conditions:
Walker-Warburg congenital muscular dystrophy. Also called: Muscular dystrophy-dystroglycanopathy, type A; Walker-Warburg syndrome. Identifiers: Orphanet 899, MedGen C0265221, MONDO:0000171.

Submission:

Labcorp Genetics (formerly Invitae), Labcorp
Classification: Pathogenic for Walker-Warburg congenital muscular dystrophy. Last evaluated: 2022-07-12. Review status: criteria provided, single submitter. Criteria: Invitae Variant Classification Sherloc (09022015). Collection method: clinical testing. Allele origin: germline.
Comment: This sequence change creates a premature translational stop signal (p.Leu272Argfs*6) in the FKRP gene. While this is not anticipated to result in nonsense mediated decay, it is expected to disrupt the last 224 amino acid(s) of the FKRP protein. This variant is not present in population databases (gnomAD no frequency). This variant has not been reported in the literature in individuals affected with FKRP-related conditions. This variant disrupts a region of the FKRP protein in which other variant(s) (p.Ile478Thr) have been determined to be pathogenic (PMID: 16476814, 18639457, 19299310). This suggests that this is a clinically significant region of the protein, and that variants that disrupt it are likely to be disease-causing. For these reasons, this variant has been classified as Pathogenic.

Literature cited by the submitters: PubMed 16476814; PubMed 18639457; PubMed 19299310.

NM_024301.5(FKRP):c.813_814dup (p.Leu272fs)

Gene: FKRP (fukutin related protein; plus strand). Cytogenetic location: 19q13.32.
Variant type: Microsatellite.
Coding change: c.813_814dup on transcript NM_024301.5 (MANE Select); coding-DNA positions 813 to 814, 2 bases duplicated (GC; older notation c.813_814dupGC).
Protein change: p.Leu272fs; shifts the reading frame from leucine 272.
Molecular consequence: frameshift variant.
Genome position (GRCh38, 1-based): chr19:46,756,263-46,756,264, GC duplicated; duplicating any 2 consecutive bases within chr19:46,756,258-46,756,264 gives the same sequence; the c. name uses the placement nearest the transcript's 3' end. VCF-style (leftmost placement, unchanged base first): chr19-46756257-C-CCG. GRCh37 (hg19) VCF-style: chr19-47259514-C-CCG.
Other names: c.813_814dup, p.Leu272fs (NM_001039885.3); short protein forms L272fs.
Identifiers: ClinVar variation 2414976 (VCV002414976.6), dbSNP rs2513992552, ClinGen allele CA2580614919.